The following is an entry in ClinVar:

NM_016507.4(CDK12):c.1924A>G (p.Met642Val)

Gene: CDK12 (cyclin dependent kinase 12; plus strand). Cytogenetic location: 17q12.
Variant type: single nucleotide variant.
Coding change: c.1924A>G on transcript NM_016507.4 (MANE Select); coding-DNA position 1924, A replaced by G.
Protein change: p.Met642Val; replaces methionine 642 with valine.
Molecular consequence: missense variant.
Genome position (GRCh38, 1-based): chr17:39,471,756, A>G. VCF-style: chr17-39471756-A-G. GRCh37 (hg19) VCF-style: chr17-37628009-A-G.
Other names: c.1924A>G, p.Met642Val (NM_015083.4); short protein forms M642V.
Identifiers: ClinVar variation 4651338 (VCV004651338.1).

ClinVar aggregate classification (germline): Uncertain significance (1 of 4 stars; one submission).

gnomAD v4.1: 6 of 1,610,482 alleles (0.00037%); highest among the groups gnomAD compares: African/African-American, 0.004%; no homozygotes.

Submission:

Ambry Genetics
Classification: Uncertain significance. Last evaluated: 2025-09-28. Review status: criteria provided, single submitter. Criteria: Ambry Variant Classification Scheme 2023. Collection method: clinical testing. Allele origin: germline.
Comment: The p.M642V variant (also known as c.1924A>G), located in coding exon 2 of the CDK12 gene, results from an A to G substitution at nucleotide position 1924. The methionine at codon 642 is replaced by valine, an amino acid with highly similar properties. This amino acid position is conserved. In addition, this alteration is predicted to be tolerated by in silico analysis. Based on the available evidence, the clinical significance of this variant remains unclear.